The following is an entry in ClinVar:

ClinVar aggregate classification (germline): Likely benign. Review status: criteria provided, single submitter (1 of 4 stars). 2 submissions from 2 submitters: Likely benign (1). 1 of the submissions does not count toward it. Last evaluated 2025-11-03.

Conditions:
Autoimmune lymphoproliferative syndrome type 1. Also called: AUTOIMMUNE LYMPHOPROLIFERATIVE SYNDROME, TYPE I, AUTOSOMAL DOMINANT. Identifiers: Orphanet 3261, MedGen C2717884, MONDO:0011158, OMIM 601859.
FASLG-related disorder. Also called: FASLG-related condition.

Allele frequency attached by ClinVar (database versions not stated): gnomAD 0.00001; 1000 Genomes Project 30x 0.00016; 1000 Genomes Project 0.00020.

Submissions (2):

Labcorp Genetics (formerly Invitae), Labcorp
Classification: Likely benign for Autoimmune lymphoproliferative syndrome. Last evaluated: 2025-11-03. Review status: criteria provided, single submitter. Criteria: Invitae Variant Classification Sherloc (09022015). Collection method: clinical testing. Allele origin: germline.

PreventionGenetics, part of Exact Sciences
Classification: Likely benign for FASLG-related condition. Last evaluated: 2019-08-23. Review status: no assertion criteria provided. Collection method: clinical testing. Allele origin: germline. Not counted in ClinVar's aggregate classification.
Comment: This variant is classified as likely benign based on ACMG/AMP sequence variant interpretation guidelines (Richards et al. 2015 PMID: 25741868, with internal and published modifications).

NM_000639.3(FASLG):c.822G>A (p.Thr274=)

Gene: FASLG (Fas ligand; plus strand). Cytogenetic location: 1q24.3.
Variant type: single nucleotide variant.
Coding change: c.822G>A on transcript NM_000639.3 (MANE Select); coding-DNA position 822, G replaced by A.
Protein change: p.Thr274=; no amino-acid change (threonine 274 retained).
Molecular consequence: synonymous variant. On other transcripts: 3 prime UTR variant (1).
Genome position (GRCh38, 1-based): chr1:172,665,992, G>A. VCF-style: chr1-172665992-G-A. GRCh37 (hg19) VCF-style: chr1-172635132-G-A.
Other names: c.*392G>A (NM_001302746.2); c.822G>A (NM_000639.2).
Identifiers: ClinVar variation 2733331 (VCV002733331.4), dbSNP rs199500307, ClinGen allele CA1247624.